The following is an entry in ClinVar:

NM_000057.4(BLM):c.3392T>C (p.Phe1131Ser)

Gene: BLM (BLM RecQ like helicase; plus strand). Cytogenetic location: 15q26.1.
Variant type: single nucleotide variant.
Coding change: c.3392T>C on transcript NM_000057.4 (MANE Select); coding-DNA position 3392, T replaced by C.
Protein change: p.Phe1131Ser; replaces phenylalanine 1131 with serine.
Molecular consequence: missense variant. On other transcripts: intron variant (1).
Genome position (GRCh38, 1-based): chr15:90,803,554, T>C. VCF-style: chr15-90803554-T-C. GRCh37 (hg19) VCF-style: chr15-91346784-T-C.
Other names: c.3392T>C, p.Phe1131Ser (NM_001287246.2); c.2267T>C, p.Phe756Ser (NM_001287248.2); c.3358+5217T>C (NM_001287247.2); short protein forms F756S, F1131S.
Identifiers: ClinVar variation 3480818 (VCV003480818.1).
Genomic context (GRCh38, chr15:90,803,554, plus strand): 5'-ATCTTACTTCCTGTATCTTCTTATCAGGGAGTAAGAGTGCAAAAATCCAGTCAGGTATAT[T>C]TGGAAAAGGATCTGCTTATTCACGACACAATGCCGAAAGACTTTTTAAAAAGCTGATACT-3'
Protein context (NP_000048.1, residues 1121-1141): SKSAKIQSGI[Phe1131Ser]GKGSAYSRHN

ClinVar aggregate classification (germline): Uncertain significance (1 of 4 stars; one submission).

Conditions:
Hereditary cancer-predisposing syndrome. Also called: Tumor predisposition; Neoplastic Syndromes, Hereditary; Hereditary neoplastic syndrome; Hereditary Cancer Syndrome. Identifiers: Orphanet 140162, MedGen C0027672, MeSH D009386, MONDO:0015356.

gnomAD v4.1: 2 of 1,613,916 alleles (0.00012%); highest among the groups gnomAD compares: Non-Finnish European, 0.00017%; no homozygotes.

Submission:

Ambry Genetics
Classification: Uncertain significance for Hereditary cancer-predisposing syndrome. Last evaluated: 2024-08-01. Review status: criteria provided, single submitter. Criteria: Ambry Variant Classification Scheme 2023. Collection method: clinical testing. Allele origin: germline.
Comment: The p.F1131S variant (also known as c.3392T>C), located in coding exon 17 of the BLM gene, results from a T to C substitution at nucleotide position 3392. The phenylalanine at codon 1131 is replaced by serine, an amino acid with highly dissimilar properties. This amino acid position is conserved. In addition, the in silico prediction for this alteration is inconclusive. Based on the available evidence, the clinical significance of this variant remains unclear.